The following is an entry in ClinVar:

NM_014679.5(CEP57):c.982A>G (p.Asn328Asp)

Gene: CEP57 (centrosomal protein 57; plus strand). Cytogenetic location: 11q21.
Variant type: single nucleotide variant.
Coding change: c.982A>G on transcript NM_014679.5 (MANE Select); coding-DNA position 982, A replaced by G.
Protein change: p.Asn328Asp; replaces asparagine 328 with aspartic acid.
Molecular consequence: missense variant.
Genome position (GRCh38, 1-based): chr11:95,827,882, A>G. VCF-style: chr11-95827882-A-G. GRCh37 (hg19) VCF-style: chr11-95561046-A-G.
Other names: c.955A>G, p.Asn319Asp (NM_001243776.2); c.904A>G, p.Asn302Asp (NM_001243777.2); c.901A>G, p.Asn301Asp (NM_001363604.2, NM_001440869.1, NM_001440870.1); c.874A>G, p.Asn292Asp (NM_001440871.1); c.865A>G, p.Asn289Asp (NM_001440872.1); c.802A>G, p.Asn268Asp (NM_001440873.1); c.796A>G, p.Asn266Asp (NM_001440874.1); c.793A>G, p.Asn265Asp (NM_001440875.1); and 6 more; short protein forms N227D, N229D, N241D, N253D, N262D, N263D, N265D, N266D.
Identifiers: ClinVar variation 4868741 (VCV004868741.1).

ClinVar aggregate classification (germline): Uncertain significance (1 of 4 stars; one submission).

Conditions:
Inborn genetic diseases. Identifiers: MedGen C0950123, MeSH D030342.

Submission:

Ambry Genetics
Classification: Uncertain significance for Inborn genetic diseases. Last evaluated: 2026-03-25. Review status: criteria provided, single submitter. Criteria: Ambry Variant Classification Scheme 2023. Collection method: clinical testing. Allele origin: germline.
Comment: The p.N328D variant (also known as c.982A>G), located in coding exon 9 of the CEP57 gene, results from an A to G substitution at nucleotide position 982. The asparagine at codon 328 is replaced by aspartic acid, an amino acid with highly similar properties. This amino acid position is conserved. In addition, this alteration is predicted to be tolerated by in silico analysis. Based on the available evidence, the clinical significance of this variant remains unclear.